The following is an entry in ClinVar:

NM_000051.4(ATM):c.5351del (p.Asn1784fs)

Gene: ATM (ATM serine/threonine kinase; plus strand). Cytogenetic location: 11q22.3.
Variant type: Deletion.
Coding change: c.5351del on transcript NM_000051.4 (MANE Select); coding-DNA position 5351, one base deleted (A; older notation c.5351delA).
Protein change: p.Asn1784fs; shifts the reading frame from asparagine 1784.
Molecular consequence: frameshift variant.
Genome position (GRCh38, 1-based): chr11:108,302,884, A deleted; the last of 4 consecutive A bases (chr11:108,302,881-108,302,884); deleting any one gives the same sequence. VCF-style (leftmost placement, unchanged base first): chr11-108302880-GA-G. GRCh37 (hg19) VCF-style: chr11-108173607-GA-G.
Other names: c.5351delA (NM_000051.3); c.5351del, p.Asn1784fs (NM_001351834.2); short protein forms N1784fs.
Identifiers: ClinVar variation 371222 (VCV000371222.11), dbSNP rs1057517101, ClinGen allele CA16041417.

ClinVar aggregate classification (germline): Pathogenic. Review status: criteria provided, multiple submitters, no conflicts (2 of 4 stars). 3 submissions from 3 submitters: Pathogenic (2). 1 of the submissions does not count toward it. Last evaluated 2024-06-28.

Conditions:
Familial cancer of breast. Also called: Hereditary breast cancer; BREAST CANCER, FAMILIAL; hereditary breast carcinoma. Identifiers: Orphanet 227535, MedGen C0346153, MONDO:0016419, OMIM 114480. Disease mechanism: loss of function.
Ataxia-telangiectasia syndrome (AT). Also called: ATAXIA-TELANGIECTASIA, COMPLEMENTATION GROUP A; ATAXIA-TELANGIECTASIA, FRESNO VARIANT; Ataxia-telangiectasia; Ataxia telangiectasia (A-T); Cerebello-oculocutaneous telangiectasia; Immunodeficiency with ataxia telangiectasia. Identifiers: Orphanet 100, MedGen C0004135, MONDO:0008840, OMIM 208900.

Submissions (3):

Myriad Genetics, Inc.
Classification: Pathogenic for Familial cancer of breast. Last evaluated: 2024-06-28. Review status: criteria provided, single submitter. Criteria: Myriad Autosomal Dominant, Autosomal Recessive and X-Linked Classification Criteria (2023). Collection method: clinical testing. Allele origin: unknown.
Comment: This variant is considered pathogenic. This variant creates a frameshift predicted to result in premature protein truncation.

Labcorp Genetics (formerly Invitae), Labcorp
Classification: Pathogenic for Ataxia-telangiectasia syndrome. Last evaluated: 2019-05-22. Review status: criteria provided, single submitter. Criteria: Invitae Variant Classification Sherloc (09022015). Collection method: clinical testing. Allele origin: germline.
Comment: This sequence change creates a premature translational stop signal (p.Asn1784Thrfs*9) in the ATM gene. It is expected to result in an absent or disrupted protein product. This variant is not present in population databases (ExAC no frequency). This variant has not been reported in the literature in individuals with ATM-related conditions. ClinVar contains an entry for this variant (Variation ID: 371222). Loss-of-function variants in ATM are known to be pathogenic (PMID: 23807571, 25614872). For these reasons, this variant has been classified as Pathogenic.

Counsyl
Classification: Likely pathogenic for Ataxia-telangiectasia syndrome. Last evaluated: 2016-08-04. Review status: no assertion criteria provided. Collection method: clinical testing. Allele origin: unknown. Not counted in ClinVar's aggregate classification.

Literature cited by the submitters: PubMed 23807571 (cited by Labcorp Genetics (formerly Invitae), Labcorp); PubMed 25614872 (cited by Labcorp Genetics (formerly Invitae), Labcorp).